The following is an entry in ClinVar:

NM_015488.5(PNKD):c.237-10C>A

Genes: CATIP-AS2 (CATIP antisense RNA 2; minus strand), PNKD (PNKD metallo-beta-lactamase domain containing; plus strand). Cytogenetic location: 2q35.
Variant type: single nucleotide variant.
Coding change: c.237-10C>A on transcript NM_015488.5 (MANE Select); 10 bases into the intron before coding-DNA position 237, C replaced by A.
Molecular consequence: intron variant.
Genome position (GRCh38, 1-based): chr2:218,339,773, C>A. VCF-style: chr2-218339773-C-A. GRCh37 (hg19) VCF-style: chr2-219204496-C-A.
Other names: c.165-10C>A (NM_022572.4).
Identifiers: ClinVar variation 2090481 (VCV002090481.4), dbSNP rs201618527, ClinGen allele CA539839203.
Genomic context (GRCh38, chr2:218,339,773, plus strand): 5'-AGGCATCACGAAGGAGTCTAGGGGAGCTAGGGAGAAAAGGCTAATCATAGGCCACCCACT[C>A]GCCCTCTAGGTACAGCCTGTACACCCGCACCTGGCTCGGGTACCTCTTCTACCGACAGCA-3'

ClinVar aggregate classification (germline): Uncertain significance (1 of 4 stars; one submission).

Conditions:
Paroxysmal nonkinesigenic dyskinesia. Also called: Paroxysmal non-kinesigenic dyskinesia. Identifiers: Orphanet 98810, MedGen C1869117, MONDO:0700088.

gnomAD v4.1: 5 of 1,579,482 alleles (0.00032%); highest among the groups gnomAD compares: South Asian, 0.0011%; no homozygotes.

Submission:

Labcorp Genetics (formerly Invitae), Labcorp
Classification: Uncertain significance for Paroxysmal nonkinesigenic dyskinesia. Last evaluated: 2022-04-01. Review status: criteria provided, single submitter. Criteria: Invitae Variant Classification Sherloc (09022015). Collection method: clinical testing. Allele origin: germline.
Comment: This sequence change falls in intron 2 of the PNKD gene. It does not directly change the encoded amino acid sequence of the PNKD protein. This variant is not present in population databases (gnomAD no frequency). In summary, the available evidence is currently insufficient to determine the role of this variant in disease. Therefore, it has been classified as a Variant of Uncertain Significance. Algorithms developed to predict the effect of sequence changes on RNA splicing suggest that this variant may create or strengthen a splice site. This variant has not been reported in the literature in individuals affected with PNKD-related conditions.